The following is an entry in ClinVar:

NM_007294.4(BRCA1):c.2083G>A (p.Asp695Asn)

Gene: BRCA1 (BRCA1 DNA repair associated; minus strand). Cytogenetic location: 17q21.31.
Variant type: single nucleotide variant.
Coding change: c.2083G>A on transcript NM_007294.4 (MANE Select); coding-DNA position 2083, G replaced by A.
Protein change: p.Asp695Asn; replaces aspartic acid 695 with asparagine.
Molecular consequence: missense variant. On other transcripts: intron variant (137).
Genome position (GRCh38, 1-based): chr17:43,093,448, C>T on the plus strand (G>A on the coding strand, the complement: BRCA1 is on the minus strand). VCF-style: chr17-43093448-C-T. GRCh37 (hg19) VCF-style: chr17-41245465-C-T.
Other names: c.1870G>A, p.Asp624Asn (NM_001407571.1, NM_001407853.1, NM_001407894.1 and 9 more transcripts); c.2083G>A, p.Asp695Asn (NM_001407581.1, NM_001407582.1, NM_001407583.1 and 30 more transcripts); c.2080G>A, p.Asp694Asn (NM_001407587.1, NM_001407590.1, NM_001407591.1 and 22 more transcripts); c.2074G>A, p.Asp692Asn (NM_001407646.1, NM_001407647.1); c.1960G>A, p.Asp654Asn (NM_001407648.1, NM_001407664.1, NM_001407665.1 and 19 more transcripts); c.1957G>A, p.Asp653Asn (NM_001407649.1, NM_001407670.1, NM_001407671.1 and 11 more transcripts); c.2005G>A, p.Asp669Asn (NM_001407653.1, NM_001407654.1, NM_001407655.1 and 4 more transcripts); c.2002G>A, p.Asp668Asn (NM_001407659.1, NM_001407660.1, NM_001407661.1 and 1 more transcripts); and 40 more; short protein forms D695N, D648N, D399N, D584N, D625N, D606N, D624N, D654N.
Identifiers: ClinVar variation 54455 (VCV000054455.36), dbSNP rs28897681, ClinGen allele CA001383.

ClinVar aggregate classification (germline): Conflicting classifications of pathogenicity. Review status: criteria provided, conflicting classifications (1 of 4 stars). 14 submissions from 14 submitters: Uncertain significance (4); Benign (1); Likely benign (4). 5 of the submissions do not count toward it. Last evaluated 2025-11-22.

Conditions:
BRCA1-related disorder. Also called: BRCA1-related condition.
Hereditary cancer-predisposing syndrome. Also called: Tumor predisposition; Neoplastic Syndromes, Hereditary; Hereditary Cancer Syndrome; Hereditary neoplastic syndrome. Identifiers: Orphanet 140162, MedGen C0027672, MeSH D009386, MONDO:0015356.
Breast neoplasm. Also called: Neoplasm of breast; Breast tumor; Neoplasm of the breast; Breast Neoplasms. Identifiers: MedGen C1458155, MeSH D001943, MONDO:0021100, HP:0100013. Disease mechanism: gain of function.
Hereditary breast ovarian cancer syndrome. Also called: Hereditary breast and ovarian cancer syndrome (HBOC); Hereditary breast and ovarian cancer syndrome; Hereditary breast and ovarian cancer; Hereditary breast and/or ovarian cancer syndrome; Breast and ovarian cancer; BRCA1- and BRCA2-Associated Hereditary Breast and Ovarian Cancer. Identifiers: Orphanet 145, MedGen C0677776, MeSH D061325, MONDO:0003582. Disease mechanism: loss of function.
Breast-ovarian cancer, familial, susceptibility to, 1 (BROVCA1). Also called: OVARIAN CANCER, SUSCEPTIBILITY TO; BRCA1 Hereditary Breast and Ovarian Cancer. Identifiers: Orphanet 145, MedGen C2676676, MONDO:0011450, OMIM 604370. Disease mechanism: loss of function.

Allele frequency attached by ClinVar (database versions not stated): TOPMed 0.00005.
gnomAD v4.1: 10 of 1,613,910 alleles (0.00062%); highest among the groups gnomAD compares: African/African-American, 0.0067%; no homozygotes.

Submissions (14):

Labcorp Genetics (formerly Invitae), Labcorp
Classification: Uncertain significance for Hereditary breast ovarian cancer syndrome. Last evaluated: 2025-11-22. Review status: criteria provided, single submitter. Criteria: Invitae Variant Classification Sherloc (09022015). Collection method: clinical testing. Allele origin: germline.
Comment: This sequence change replaces aspartic acid, which is acidic and polar, with asparagine, which is neutral and polar, at codon 695 of the BRCA1 protein (p.Asp695Asn). This variant is present in population databases (rs28897681, gnomAD 0.02%). This missense change has been observed in individual(s) with breast and/or ovarian cancer (PMID: 9523200, 31907386). ClinVar contains an entry for this variant (Variation ID: 54455). Invitae Evidence Modeling of protein sequence and biophysical properties (such as structural, functional, and spatial information, amino acid conservation, physicochemical variation, residue mobility, and thermodynamic stability) indicates that this missense variant is not expected to disrupt BRCA1 protein function with a negative predictive value of 80%. Experimental studies have shown that this missense change does not substantially affect BRCA1 function (PMID: 23867111, 26689913, 32546644). In summary, the available evidence is currently insufficient to determine the role of this variant in disease. Therefore, it has been classified as a Variant of Uncertain Significance.

Ambry Genetics
Classification: Uncertain significance for Hereditary cancer-predisposing syndrome. Last evaluated: 2025-10-07. Review status: criteria provided, single submitter. Criteria: Ambry Variant Classification Scheme 2023. Collection method: clinical testing. Allele origin: germline.
Comment: The p.D695N variant (also known as c.2083G>A), located in coding exon 9 of the BRCA1 gene, results from a G to A substitution at nucleotide position 2083. The aspartic acid at codon 695 is replaced by asparagine, an amino acid with highly similar properties. This amino acid position is not well conserved in available vertebrate species. In addition, this alteration is predicted to be tolerated by in silico analysis. Based on the available evidence, the clinical significance of this variant remains unclear.

Quest Diagnostics Nichols Institute San Juan Capistrano
Classification: Likely benign. Last evaluated: 2025-06-05. Review status: criteria provided, single submitter. Criteria: Quest Diagnostics criteria. Collection method: clinical testing. Allele origin: unknown.

Women's Health and Genetics/Laboratory Corporation of America, LabCorp
Classification: Likely benign. Last evaluated: 2025-03-27. Review status: criteria provided, single submitter. Criteria: LabCorp Variant Classification Summary - May 2015. Collection method: clinical testing. Allele origin: germline.
Comment: Variant summary: BRCA1 c.2083G>A (p.Asp695Asn) results in a conservative amino acid change in the encoded protein sequence. Five of five in-silico tools predict a benign effect of the variant on protein function. The variant allele was found at a frequency of 2.8e-05 in 251166 control chromosomes. The variant was also observed in 1 individual over 70 years of age with no personal history of cancer (FLOSSIES database). The available data on variant occurrences in the general population are insufficient to allow any conclusion about variant significance. c.2083G>A has been reported in the presumed heterozygous state in the literature in multiple individuals affected with Hereditary Breast And Ovarian Cancer Syndrome (example, Chen_2019, Greenman_1998, BIC database), without strong evidence for causality. In at least 1 family with this variant, 2 transmissions of the variant allele and 1 transmissions of the reference allele to affected individuals was reported (Greenman_1998). These data do not allow any conclusion about variant significance. At least one functional study reports experimental evidence evaluating an impact on protein function and showed no damaging effect of this variant on homology directed repair (HDR) activity (e.g. Lu_2015, Bouwman_2013, Bouwman_2020). HDR assays qualify as a recognized gold standard on the basis of updated guidance provided by the ClinGen Sequence Variant Interpretation (SVI) working group. The following publications have been ascertained in the context of this evaluation (PMID: 23867111, 31867841, 9523200, 26689913, 27300552, 32546644). ClinVar contains an entry for this variant (Variation ID: 54455). Based on the evidence outlined above, the variant was classified as likely benign.

University of Washington Department of Laboratory Medicine, University of Washington
Classification: Likely benign for Hereditary cancer-predisposing syndrome. Last evaluated: 2023-03-23. Review status: criteria provided, single submitter. Criteria: Dines et al. (Genet Med. 2020). Collection method: curation. Allele origin: germline.
Comment: Missense variant in a coldspot region where missense variants are very unlikely to be pathogenic (PMID:31911673).

BRCA1 coldspot (exon 11 using historical exon numbering). Reclassification based on statistical prior probability

PreventionGenetics, part of Exact Sciences
Classification: Uncertain significance for BRCA1-related condition. Last evaluated: 2022-11-11. Review status: criteria provided, single submitter. Criteria: ACMG Guidelines, 2015. Collection method: clinical testing. Allele origin: germline.
Comment: The BRCA1 c.2083G>A variant is predicted to result in the amino acid substitution p.Asp695Asn. This variant was reported in individuals with breast cancer/ovarian cancer (reported as D695N in Table 1, Greenman et al 1998. PubMed ID: 9523200; Table1, Bouwman et al 2013. PubMed ID: 23867111; Supplementary Data File S1, Kim et al 2020. PubMed ID: 31907386; Table S1, Dong et al 2020. PubMed ID: 32467295). Functional studies suggested that p.Asp695Asn variant does not affect normal HDR activity (Table S22, Lu et al. 2015. PubMed ID: 26689913; Table S2, Bouwman et al 2020. PubMed ID: 32546644). This variant is reported in 0.024% of alleles in individuals of African descent in gnomAD. In ClinVar, this variant is interpreted as benign/likely benign/uncertain. At this time, the clinical significance of this variant is uncertain due to the absence of conclusive functional and genetic evidence.

Sema4
Classification: Uncertain significance for Hereditary cancer-predisposing syndrome. Last evaluated: 2022-03-14. Review status: criteria provided, single submitter. Criteria: Sema4 Curation Guidelines. Collection method: curation. Allele origin: germline.
Comment: The BRCA1 c.2083G>A (p.D695N) variant has been reported in individuals with breast cancer (PMID: 31867841, 26689913, 9523200). In one family affected with breast and/or ovarian cancer the variant was present only in two out of three affected siblings (PMID 9523200). The variant was observed in 6/24962 chromosomes of the African/African American subpopulation in the large and broad cohorts of the Genome Aggregation Database (PMID: 32461654) and has been reported in ClinVar (Variation ID 54455). In silico tools suggest the impact of the variant on protein function is inconclusive. Functional studies demonstrated normal function in homology-directed repair and cisplatin sensitivity assays (PMID: 23867111, 26689913). The evidence is insufficient to meet ACMG/AMP criteria for classifying the variant as benign or pathogenic. Thus, the clinical significance of this variant is currently uncertain.

GeneDx
Classification: Likely benign. Last evaluated: 2020-01-31. Review status: criteria provided, single submitter. Criteria: GeneDx Variant Classification Process June 2021. Collection method: clinical testing. Allele origin: germline. Affected: yes.
Comment: This variant is associated with the following publications: (PMID: 23867111, 9523200, 26689913, 15385441)

Color Diagnostics, LLC DBA Color Health
Classification: Benign for Hereditary cancer-predisposing syndrome. Last evaluated: 2016-11-21. Review status: criteria provided, single submitter. Criteria: ACMG Guidelines, 2015. Collection method: clinical testing. Allele origin: germline.

3DMed Clinical Laboratory Inc
Classification: Uncertain significance for Neoplasm of the breast. Last evaluated: 2017-09-05. Review status: no assertion criteria provided. Criteria: ACMG Guidelines, 2015. Collection method: clinical testing. Allele origin: germline. Affected: yes. Not counted in ClinVar's aggregate classification.

Counsyl
Classification: Uncertain significance for Breast-ovarian cancer, familial, susceptibility to, 1. Last evaluated: 2015-12-09. Review status: no assertion criteria provided. Collection method: clinical testing. Allele origin: unknown. Not counted in ClinVar's aggregate classification.

Breast Cancer Information Core (BIC) (BRCA1)
Classification: Uncertain significance for Breast-ovarian cancer, familial 1. Last evaluated: 1999-04-06. Review status: no assertion criteria provided. Collection method: clinical testing. Allele origin: germline. Affected: yes. Observed: 2 variant alleles. Not counted in ClinVar's aggregate classification.

Clinical Genetics Laboratory, Department of Pathology, Netherlands Cancer Institute
Classification: Likely benign. Review status: no assertion criteria provided. Collection method: clinical testing. Allele origin: germline. Affected: yes. Study: VKGL Data-share Consensus. Not counted in ClinVar's aggregate classification.

Diagnostic Laboratory, Department of Genetics, University Medical Center Groningen
Classification: Likely benign. Review status: no assertion criteria provided. Collection method: clinical testing. Allele origin: germline. Affected: yes. Study: VKGL Data-share Consensus. Not counted in ClinVar's aggregate classification.

Literature cited by the submitters: PubMed 9523200 (cited by 6 submitters); PubMed 31907386 (cited by Labcorp Genetics (formerly Invitae), Labcorp and Quest Diagnostics Nichols Institute San Juan Capistrano); PubMed 23867111 (cited by 6 submitters); PubMed 26689913 (cited by 5 submitters); PubMed 32546644 (cited by 3 submitters); PubMed 32467295 (cited by Quest Diagnostics Nichols Institute San Juan Capistrano); PubMed 27300552 (cited by Quest Diagnostics Nichols Institute San Juan Capistrano and Women's Health and Genetics/Laboratory Corporation of America, LabCorp); PubMed 31867841 (cited by 3 submitters); PubMed 31911673 (cited by Quest Diagnostics Nichols Institute San Juan Capistrano); PubMed 15385441 (cited by Counsyl).